The following is an entry in ClinVar:

NM_024642.5(GALNT12):c.624G>A (p.Leu208=)

Gene: GALNT12 (polypeptide N-acetylgalactosaminyltransferase 12; plus strand). Cytogenetic location: 9q22.33.
Variant type: single nucleotide variant.
Coding change: c.624G>A on transcript NM_024642.5 (MANE Select); coding-DNA position 624, G replaced by A.
Protein change: p.Leu208=; no amino-acid change (leucine 208 retained).
Molecular consequence: synonymous variant.
Genome position (GRCh38, 1-based): chr9:98,826,834, G>A. VCF-style: chr9-98826834-G-A. GRCh37 (hg19) VCF-style: chr9-101589116-G-A.
Identifiers: ClinVar variation 4876171 (VCV004876171.1).

ClinVar aggregate classification (germline): Benign (1 of 4 stars; one submission).

Conditions:
Colorectal cancer, susceptibility to, 1. Also called: COLORECTAL ADENOMA AND CANCER, SUSCEPTIBILITY TO; COLORECTAL CANCER, SUSCEPTIBILITY TO, ON CHROMOSOME 9. Identifiers: MedGen C1837315, MONDO:0012132, OMIM 608812.

Submission:

Myriad Genetics, Inc.
Classification: Benign for Colorectal cancer, susceptibility to, 1. Last evaluated: 2026-04-24. Review status: criteria provided, single submitter. Criteria: Myriad Autosomal Dominant, Autosomal Recessive and X-Linked Classification Criteria (2023). Collection method: clinical testing. Allele origin: unknown.
Comment: This variant is considered benign. This variant is a silent/synonymous amino acid change and it is not expected to impact splicing.